The following is an entry in ClinVar:

NM_001367549.1(ATP13A3):c.1754G>T (p.Arg585Leu)

Gene: ATP13A3 (ATPase 13A3; minus strand). Cytogenetic location: 3q29.
Variant type: single nucleotide variant.
Coding change: c.1754G>T on transcript NM_001367549.1 (MANE Select); coding-DNA position 1754, G replaced by T.
Protein change: p.Arg585Leu; replaces arginine 585 with leucine.
Molecular consequence: missense variant. On other transcripts: non-coding transcript variant (2).
Genome position (GRCh38, 1-based): chr3:194,438,929, C>A on the plus strand (G>T on the coding strand, the complement: ATP13A3 is on the minus strand). VCF-style: chr3-194438929-C-A. GRCh37 (hg19) VCF-style: chr3-194159658-C-A.
Other names: c.1673G>T, p.Arg558Leu (NM_001374836.1); c.1754G>T, p.Arg585Leu (NM_001437993.1, NM_024524.4); short protein forms R585L, R558L.
Identifiers: ClinVar variation 4760276 (VCV004760276.1).

ClinVar aggregate classification (germline): Uncertain significance (1 of 4 stars; one submission).

gnomAD v4.1: 17 of 1,607,946 alleles (0.0011%); highest among the groups gnomAD compares: African/African-American, 0.0013%; no homozygotes.

Submission:

Labcorp Genetics (formerly Invitae), Labcorp
Classification: Uncertain significance. Last evaluated: 2025-06-20. Review status: criteria provided, single submitter. Criteria: Invitae Variant Classification Sherloc (09022015). Collection method: clinical testing. Allele origin: germline.
Comment: This sequence change replaces arginine, which is basic and polar, with leucine, which is neutral and non-polar, at codon 585 of the ATP13A3 protein (p.Arg585Leu). This variant is present in population databases (rs375152534, gnomAD 0.007%). This variant has not been reported in the literature in individuals affected with ATP13A3-related conditions. Invitae Evidence Modeling of protein sequence and biophysical properties (such as structural, functional, and spatial information, amino acid conservation, physicochemical variation, residue mobility, and thermodynamic stability) indicates that this missense variant is not expected to disrupt ATP13A3 protein function with a negative predictive value of 80%. In summary, the available evidence is currently insufficient to determine the role of this variant in disease. Therefore, it has been classified as a Variant of Uncertain Significance.